The following is an entry in ClinVar:

ClinVar aggregate classification (germline): Pathogenic/Likely pathogenic. Review status: criteria provided, multiple submitters, no conflicts (2 of 4 stars). 2 submissions from 2 submitters: Pathogenic (1); Likely pathogenic (1). Last evaluated 2025-04-20.

Conditions:
Bloom syndrome (BLM). Also called: Bloom-Torre-Machacek syndrome. Identifiers: Orphanet 125, MedGen C0005859, MONDO:0008876, OMIM 210900.

Submissions (2):

Natera, Inc.
Classification: Likely pathogenic for Bloom syndrome. Last evaluated: 2025-04-20. Review status: criteria provided, single submitter. Criteria: Natera Variant Classification Schema (03/2026). Collection method: clinical testing. Allele origin: germline.
Comment: The c.1361del variant in BLM is a frameshift variant predicted to shift the reading frame beginning at codon 454 and leads to a stop codon 17 codons downstream. This variant is expected to result in nonsense mediated decay, truncation, or a dysfunctional protein product. This variant is rare in the general population with a frequency below the threshold expected for the associated phenotype(s). Given the available evidence, this variant is classified as Likely Pathogenic.

Labcorp Genetics (formerly Invitae), Labcorp
Classification: Pathogenic for Bloom syndrome. Last evaluated: 2021-08-15. Review status: criteria provided, single submitter. Criteria: Invitae Variant Classification Sherloc (09022015). Collection method: clinical testing. Allele origin: germline.
Comment: For these reasons, this variant has been classified as Pathogenic. This variant has not been reported in the literature in individuals affected with BLM-related conditions. This variant is not present in population databases (ExAC no frequency). This sequence change creates a premature translational stop signal (p.Asn454Ilefs*17) in the BLM gene. It is expected to result in an absent or disrupted protein product. Loss-of-function variants in BLM are known to be pathogenic (PMID: 17407155).

Literature cited by the submitters: PubMed 17407155 (cited by Labcorp Genetics (formerly Invitae), Labcorp).

NM_000057.4(BLM):c.1361del (p.Asn454fs)

Gene: BLM (BLM RecQ like helicase; plus strand). Cytogenetic location: 15q26.1.
Variant type: Deletion.
Coding change: c.1361del on transcript NM_000057.4 (MANE Select); coding-DNA position 1361, one base deleted (A; older notation c.1361delA).
Protein change: p.Asn454fs; shifts the reading frame from asparagine 454.
Molecular consequence: frameshift variant.
Genome position (GRCh38, 1-based): chr15:90,760,734, A deleted; the last of 3 consecutive A bases (chr15:90,760,732-90,760,734); deleting any one gives the same sequence. VCF-style (leftmost placement, unchanged base first): chr15-90760731-TA-T. GRCh37 (hg19) VCF-style: chr15-91303961-TA-T.
Other names: c.1361del (NM_000057.3); c.1361del, p.Asn454fs (NM_001287246.2, NM_001287247.2); c.236del, p.Asn79fs (NM_001287248.2); short protein forms N454fs, N79fs.
Identifiers: ClinVar variation 1456205 (VCV001456205.8), dbSNP rs2151158091, ClinGen allele CA2573151460.
Genomic context (GRCh38, chr15:90,760,731, plus strand): 5'-ATTCACTTGATGGCCCTATGGAGGGTGATTCCTGCCCTACAGGGAATTCTATGAAGGAGT[TA>T]AATTTTTCACACCTTCCCTCAAATTCTGTTTCTCCTGGGGACTGTTTACTGACTACCACC-3'